The following is an entry in ClinVar:

ClinVar aggregate classification (germline): Conflicting classifications of pathogenicity. Review status: criteria provided, conflicting classifications (1 of 4 stars). 2 submissions from 2 submitters: Pathogenic (1); Uncertain significance (1). Last evaluated 2026-05-07.

Conditions:
Polycystic kidney disease, adult type (PKD1). Also called: Polycystic Kidney Disease 1, Autosomal Dominant; Polycystic kidney disease 1; Polycystic kidney disease 1, severe; POLYCYSTIC KIDNEY DISEASE 1 WITH OR WITHOUT POLYCYSTIC LIVER DISEASE; POLYCYSTIC KIDNEY DISEASE, ADULT, TYPE I; Polycystic Kidney, Autosomal Dominant. Identifiers: MedGen C3149841, MONDO:0008263, OMIM 173900.
Cystic renal disease.

Submissions (2):

Genetics Laboratory, Great Ormond Street Hospital NHS Foundation Trust, North Thames Genomic Laboratory Hub
Classification: Pathogenic for Cystic renal disease. Last evaluated: 2026-05-07. Review status: criteria provided, single submitter. Criteria: ACGS Best Practice Guidelines for Variant Classification in Rare Disease 2024 v1.2. Collection method: clinical testing. Allele origin: germline. Affected: yes.
Comment: PS4_moderate, PM2_moderate, PP3_supporting, PP1_strong, PP4_supporting

Department of Pathology and Laboratory Medicine, Sinai Health System
Classification: Uncertain significance for Polycystic kidney disease, adult type. Last evaluated: 2023-04-12. Review status: criteria provided, single submitter. Criteria: ACMG Guidelines, 2015. Collection method: clinical testing. Allele origin: germline. Affected: yes.

Literature cited by the submitters: PubMed 22508176 (cited by Department of Pathology and Laboratory Medicine, Sinai Health System); PubMed 10854095 (cited by Department of Pathology and Laboratory Medicine, Sinai Health System).

NM_001009944.3(PKD1):c.9578C>T (p.Pro3193Leu)

Gene: PKD1 (polycystin 1, transient receptor potential channel interacting; minus strand). Cytogenetic location: 16p13.3.
Variant type: single nucleotide variant.
Coding change: c.9578C>T on transcript NM_001009944.3 (MANE Select); coding-DNA position 9578, C replaced by T.
Protein change: p.Pro3193Leu; replaces proline 3193 with leucine.
Molecular consequence: missense variant.
Genome position (GRCh38, 1-based): chr16:2,100,300, G>A on the plus strand (C>T on the coding strand, the complement: PKD1 is on the minus strand). VCF-style: chr16-2100300-G-A. GRCh37 (hg19) VCF-style: chr16-2150301-G-A.
Other names: c.9578C>T, p.Pro3193Leu (NM_000296.4); short protein forms P3193L.
Identifiers: ClinVar variation 3780338 (VCV003780338.2).